The following is an entry in ClinVar:

NM_001184880.2(PCDH19):c.56C>T (p.Ala19Val)

Gene: PCDH19 (protocadherin 19; minus strand). Cytogenetic location: Xq22.1.
Variant type: single nucleotide variant.
Coding change: c.56C>T on transcript NM_001184880.2 (MANE Select); coding-DNA position 56, C replaced by T.
Protein change: p.Ala19Val; replaces alanine 19 with valine.
Molecular consequence: missense variant.
Genome position (GRCh38, 1-based): chrX:100,408,542, G>A on the plus strand (C>T on the coding strand, the complement: PCDH19 is on the minus strand). VCF-style: chrX-100408542-G-A. GRCh37 (hg19) VCF-style: chrX-99663540-G-A.
Other names: c.56C>T, p.Ala19Val (NM_001105243.2, NM_020766.3); short protein forms A19V.
Identifiers: ClinVar variation 851794 (VCV000851794.10), dbSNP rs1928482665, ClinGen allele CA414011470.

ClinVar aggregate classification (germline): Uncertain significance (1 of 4 stars; one submission).

Conditions:
Developmental and epileptic encephalopathy, 9 (DEE9). Also called: Early infantile epileptic encephalopathy 9; PCDH19-Related X-Linked Female-Limited Epilepsy with Mental Retardation; EPILEPSY, FEMALE-RESTRICTED, WITH MENTAL RETARDATION; JUBERG-HELLMAN SYNDROME. Identifiers: Orphanet 101039, Orphanet 2076, MedGen C1848137, MONDO:0010246, OMIM 300088. Disease mechanism: loss of function.

Allele frequency attached by ClinVar (database versions not stated): gnomAD exomes below 0.00001.

Submission:

Labcorp Genetics (formerly Invitae), Labcorp
Classification: Uncertain significance for Developmental and epileptic encephalopathy, 9. Last evaluated: 2024-06-04. Review status: criteria provided, single submitter. Criteria: Invitae Variant Classification Sherloc (09022015). Collection method: clinical testing. Allele origin: germline.
Comment: This sequence change replaces alanine, which is neutral and non-polar, with valine, which is neutral and non-polar, at codon 19 of the PCDH19 protein (p.Ala19Val). This variant is not present in population databases (gnomAD no frequency). This variant has not been reported in the literature in individuals affected with PCDH19-related conditions. ClinVar contains an entry for this variant (Variation ID: 851794). Advanced modeling of protein sequence and biophysical properties (such as structural, functional, and spatial information, amino acid conservation, physicochemical variation, residue mobility, and thermodynamic stability) performed at Invitae indicates that this missense variant is not expected to disrupt PCDH19 protein function with a negative predictive value of 95%. In summary, the available evidence is currently insufficient to determine the role of this variant in disease. Therefore, it has been classified as a Variant of Uncertain Significance.